The following is an entry in ClinVar:

NM_020442.6(VARS2):c.969C>T (p.Pro323=)

Gene: VARS2 (valyl-tRNA synthetase 2, mitochondrial; plus strand). Cytogenetic location: 6p21.33.
Variant type: single nucleotide variant.
Coding change: c.969C>T on transcript NM_020442.6 (MANE Select); coding-DNA position 969, C replaced by T.
Protein change: p.Pro323=; no amino-acid change (proline 323 retained).
Molecular consequence: synonymous variant.
Genome position (GRCh38, 1-based): chr6:30,917,790, C>T. VCF-style: chr6-30917790-C-T. GRCh37 (hg19) VCF-style: chr6-30885567-C-T.
Other names: p.Pro353=; c.549C>T, p.Pro183= (NM_001167733.3); c.1059C>T, p.Pro353= (NM_001167734.2).
Identifiers: ClinVar variation 1327281 (VCV001327281.13), dbSNP rs148701242, ClinGen allele CA3705769.
Genomic context (GRCh38, chr6:30,917,790, plus strand): 5'-TCGACTGCCTGGCTGCCCCACCCCCGTGTCTTTTGGCCTCCTATTTTCTGTTGCCTTCCC[C>T]GTGGATGGAGAGCCTGGTGAGCATAGTACTCTGCAGGGTCACCCGTTTACCTCCATTTTT-3'
Protein context (NP_065175.4, residues 313-333): SFGLLFSVAF[Pro323=]VDGEPDAEVV

ClinVar aggregate classification (germline): Benign/Likely benign. Review status: criteria provided, multiple submitters, no conflicts (2 of 4 stars). 5 submissions from 5 submitters: Benign (1); Likely benign (4). Last evaluated 2026-06-01.

Conditions:
VARS2-related disorder. Also called: VARS2-related disorders; VARS2-related condition.

Allele frequency attached by ClinVar (database versions not stated): 1000 Genomes Project 30x 0.00047; 1000 Genomes Project 0.00060; ExAC 0.00080; ESP Exome Variant Server 0.00139; gnomAD 0.00184 and 0.00214; TOPMed 0.00209.
gnomAD v4.1: 514 of 1,557,462 alleles (0.033%); highest among the groups gnomAD compares: African/African-American, 0.61%; no homozygotes.

Submissions (5):

CeGaT Center for Human Genetics Tuebingen
Classification: Likely benign. Last evaluated: 2026-06-01. Review status: criteria provided, single submitter. Criteria: CeGaT Center For Human Genetics Tuebingen Variant Classification Criteria Version 2. Collection method: clinical testing. Allele origin: germline. Affected: yes. Observed: 1 variant allele.
Comment: VARS2: BP4, BP7

Labcorp Genetics (formerly Invitae), Labcorp
Classification: Benign. Last evaluated: 2025-12-07. Review status: criteria provided, single submitter. Criteria: Invitae Variant Classification Sherloc (09022015). Collection method: clinical testing. Allele origin: germline.

PreventionGenetics, part of Exact Sciences
Classification: Likely benign for VARS2-related condition. Last evaluated: 2025-10-07. Review status: criteria provided, single submitter. Criteria: ACMG Guidelines, 2015. Collection method: clinical testing. Allele origin: germline.
Comment: This variant is classified as likely benign based on ACMG/AMP sequence variant interpretation guidelines (Richards et al. 2015 PMID: 25741868, with internal and published modifications).

Mayo Clinic Laboratories, Mayo Clinic
Classification: Likely benign. Last evaluated: 2024-11-06. Review status: criteria provided, single submitter. Criteria: ACMG Guidelines, 2015. Collection method: clinical testing. Allele origin: germline. Observed: 3 variant alleles.
Comment: BS1, BP4, BP7

GeneDx
Classification: Likely benign. Last evaluated: 2021-06-02. Review status: criteria provided, single submitter. Criteria: GeneDx Variant Classification Process June 2021. Collection method: clinical testing. Allele origin: germline. Affected: yes.